The following is an entry in ClinVar:

NM_001017420.3(ESCO2):c.1785C>T (p.Leu595=)

Gene: ESCO2 (establishment of sister chromatid cohesion N-acetyltransferase 2; plus strand). Cytogenetic location: 8p21.1.
Variant type: single nucleotide variant.
Coding change: c.1785C>T on transcript NM_001017420.3 (MANE Select); coding-DNA position 1785, C replaced by T.
Protein change: p.Leu595=; no amino-acid change (leucine 595 retained).
Molecular consequence: synonymous variant.
Genome position (GRCh38, 1-based): chr8:27,803,417, C>T. VCF-style: chr8-27803417-C-T. GRCh37 (hg19) VCF-style: chr8-27660934-C-T.
Identifiers: ClinVar variation 793634 (VCV000793634.10), dbSNP rs375906405, ClinGen allele CA4692396.

ClinVar aggregate classification (germline): Likely benign. Review status: criteria provided, multiple submitters, no conflicts (2 of 4 stars). 3 submissions from 3 submitters: Likely benign (3). Last evaluated 2024-12-08.

Conditions:
ESCO2-related disorder. Also called: ESCO2-related condition.

Allele frequency attached by ClinVar (database versions not stated): TOPMed 0.00003.
gnomAD v4.1: 59 of 1,613,172 alleles (0.0037%); highest among the groups gnomAD compares: South Asian, 0.011%; no homozygotes.

Submissions (3):

PreventionGenetics, part of Exact Sciences
Classification: Likely benign for ESCO2-related condition. Last evaluated: 2024-12-08. Review status: criteria provided, single submitter. Criteria: ACMG Guidelines, 2015. Collection method: clinical testing. Allele origin: germline.
Comment: This variant is classified as likely benign based on ACMG/AMP sequence variant interpretation guidelines (Richards et al. 2015 PMID: 25741868, with internal and published modifications).

Blueprint Genetics
Classification: Likely benign. Last evaluated: 2024-04-22. Review status: criteria provided, single submitter. Criteria: ACMG Guidelines, 2015. Collection method: clinical testing. Allele origin: germline.

Labcorp Genetics (formerly Invitae), Labcorp
Classification: Likely benign. Last evaluated: 2024-01-11. Review status: criteria provided, single submitter. Criteria: Invitae Variant Classification Sherloc (09022015). Collection method: clinical testing. Allele origin: germline.